The following is an entry in ClinVar:

NM_001388453.1(QRICH2):c.4673G>A (p.Arg1558Gln)

Gene: QRICH2 (glutamine rich 2; minus strand). Cytogenetic location: 17q25.1.
Variant type: single nucleotide variant.
Coding change: c.4673G>A on transcript NM_001388453.1 (MANE Select); coding-DNA position 4673, G replaced by A.
Protein change: p.Arg1558Gln; replaces arginine 1558 with glutamine.
Molecular consequence: missense variant. On other transcripts: non-coding transcript variant (1).
Genome position (GRCh38, 1-based): chr17:76,280,108, C>T on the plus strand (G>A on the coding strand, the complement: QRICH2 is on the minus strand). VCF-style: chr17-76280108-C-T. GRCh37 (hg19) VCF-style: chr17-74276189-C-T.
Other names: c.4673G>A, p.Arg1558Gln (NM_032134.3); c.4175G>A (NM_032134.2, NM_032134.1); short protein forms R1558Q.
Identifiers: ClinVar variation 2648304 (VCV002648304.25), dbSNP rs148370256, ClinGen allele CA8783444.
Genomic context (GRCh38, chr17:76,280,108, plus strand): 5'-GCCTCGTCTGCCTGGTAGAGTGGGGGGCGCTCCCTGAGCTGCTGTCGCAGCGATTTCCAC[C>T]GATCCTCCAGCAACTGCTTCACTGGGTCCAGCTCCAGGCGGTCCAGCTGTGGCGGGGAAA-3'
Protein context (NP_001375382.1, residues 1548-1568): LDPVKQLLED[Arg1558Gln]WKSLRQQLRE

ClinVar aggregate classification (germline): Conflicting classifications of pathogenicity. Review status: criteria provided, conflicting classifications (1 of 4 stars). 3 submissions from 3 submitters: Uncertain significance (1); Likely benign (1). 1 of the submissions does not count toward it. Last evaluated 2025-10-02.

Conditions:
QRICH2-related disorder. Also called: QRICH2-related condition.

Allele frequency attached by ClinVar (database versions not stated): gnomAD 0.00235; TOPMed 0.00244; ESP Exome Variant Server 0.00277; 1000 Genomes Project 30x 0.00328; 1000 Genomes Project 0.00399.

Submissions (3):

Ambry Genetics
Classification: Uncertain significance. Last evaluated: 2025-10-02. Review status: criteria provided, single submitter. Criteria: Ambry Variant Classification Scheme 2023. Collection method: clinical testing. Allele origin: germline.

CeGaT Center for Human Genetics Tuebingen
Classification: Likely benign. Last evaluated: 2023-04-01. Review status: criteria provided, single submitter. Criteria: CeGaT Center For Human Genetics Tuebingen Variant Classification Criteria Version 2. Collection method: clinical testing. Allele origin: germline. Affected: yes. Observed: 1 variant allele.
Comment: QRICH2: BP4, BS2

PreventionGenetics, part of Exact Sciences
Classification: Benign for QRICH2-related condition. Last evaluated: 2019-06-18. Review status: no assertion criteria provided. Collection method: clinical testing. Allele origin: germline. Not counted in ClinVar's aggregate classification.
Comment: This variant is classified as benign based on ACMG/AMP sequence variant interpretation guidelines (Richards et al. 2015 PMID: 25741868, with internal and published modifications).